The following is an entry in ClinVar:

ClinVar aggregate classification (germline): Conflicting classifications of pathogenicity. Review status: criteria provided, conflicting classifications (1 of 4 stars). 9 submissions from 7 submitters: Pathogenic (5); Likely pathogenic (3); Uncertain significance (1). Last evaluated 2025-12-01.

Conditions:
Meckel syndrome, type 3 (MKS3). Also called: MECKEL-GRUBER SYNDROME, TYPE 3. Identifiers: Orphanet 564, MedGen C1846357, MONDO:0011821, OMIM 607361.
COACH syndrome 1. Identifiers: Orphanet 1454, MedGen C5435651, MONDO:0800103, OMIM 216360, MONDO:0008996.
Nephronophthisis 11 (NPHP11). Identifiers: Orphanet 84081, MedGen C3150796, MONDO:0013302, OMIM 613550.
Joubert syndrome 6 (JBTS6). Identifiers: Orphanet 475, MedGen C1853153, MONDO:0012539, OMIM 610688.
Bardet-Biedl syndrome 14 (BBS14). Identifiers: Orphanet 110, MedGen C2673874, MONDO:0014442, OMIM 615991.
RHYNS syndrome. Also called: RETINITIS PIGMENTOSA SYNDROME; RETINITIS PIGMENTOSA, HYPOPITUITARISM, NEPHRONOPHTHISIS, AND MILD SKELETAL DYSPLASIA. Identifiers: Orphanet 140976, MedGen C1865794, MONDO:0011202, OMIM 602152.
Inborn genetic diseases. Identifiers: MedGen C0950123, MeSH D030342.
TMEM67-related disorder. Also called: TMEM67-related condition; TMEM67-related disorders. Identifiers: MedGen CN239423.
Tremor. Also called: tremors. Identifiers: MedGen C0040822, HP:0001337.
Floppy infant. Also called: Infantile muscular hypotonia. Identifiers: MedGen C1860834, HP:0008947.
Pancreatitis. Identifiers: MedGen C0030305, MONDO:0004982, HP:0001733.
Absent speech. Also called: Absent speech development. Identifiers: MedGen C1854882, HP:0001344.
Barrel-shaped chest. Identifiers: MedGen C0264172, HP:0001552.
Peritonitis. Identifiers: MedGen C0031154, MONDO:1010128, HP:0002586.
Nystagmus. Identifiers: MedGen C0028738, MONDO:0004843, HP:0000639.
Cerebellar vermis hypoplasia. Identifiers: MedGen C1840379, HP:0001320.
Severe intellectual disability. Identifiers: MedGen C0036857, HP:0010864.
Kidney damage. Identifiers: MedGen C1408258.
Cerebellar malformation. Identifiers: Orphanet 182061, MedGen C4025708.
Global developmental delay (DD). Also called: Cognitive delay. Identifiers: MedGen C0557874, HP:0001263. Disease mechanism: loss of function.
Congenital ocular coloboma. Also called: COLOBOMA OF IRIS, CHOROID, AND RETINA; COLOBOMA, UVEORETINAL; Coloboma of eye; Coloboma. Identifiers: Orphanet 194, MedGen C0009363, MONDO:0001476, HP:0000589.
Visual impairment. Also called: Impaired vision; vision problems. Identifiers: MedGen C3665347, HP:0000505.
Meckel-Gruber syndrome. Also called: DYSENCEPHALIA SPLANCHNOCYSTICA; Dysencephalia splachnocystica; GRUBER SYNDROME. Identifiers: Orphanet 564, MedGen C0265215, MONDO:0018921.
Joubert syndrome. Also called: Familial aplasia of the vermis; JOUBERT-BOLTSHAUSER SYNDROME. Identifiers: Orphanet 475, MedGen C5979921, MONDO:0018772.
Oligohydramnios. Also called: Oligohydramnios (disease). Identifiers: MedGen C0079924, MONDO:0005881, HP:0001562.
Renal cyst. Also called: Cystic kidney disease; cystic kidneys; Renal cysts. Identifiers: MedGen C3887499, MONDO:0002473, HP:0000107.

Allele frequency attached by ClinVar (database versions not stated): TOPMed 0.00001; gnomAD exomes 0.00002; ExAC 0.00003.
gnomAD v4.1: 32 of 1,613,938 alleles (0.002%); highest among the groups gnomAD compares: Non-Finnish European, 0.0023%; no homozygotes.

Submissions (9):

Labcorp Genetics (formerly Invitae), Labcorp
Classification: Pathogenic for Joubert syndrome; Meckel-Gruber syndrome. Last evaluated: 2025-12-01. Review status: criteria provided, single submitter. Criteria: Invitae Variant Classification Sherloc (09022015). Collection method: clinical testing. Allele origin: germline.
Comment: This sequence change replaces arginine, which is basic and polar, with cysteine, which is neutral and slightly polar, at codon 441 of the TMEM67 protein (p.Arg441Cys). This variant is present in population databases (rs752362727, gnomAD 0.006%). This missense change has been observed in individual(s) with TMEM67-related conditions (PMID: 19574260, 23351400). ClinVar contains an entry for this variant (Variation ID: 217725). Invitae Evidence Modeling of protein sequence and biophysical properties (such as structural, functional, and spatial information, amino acid conservation, physicochemical variation, residue mobility, and thermodynamic stability) indicates that this missense variant is expected to disrupt TMEM67 protein function with a positive predictive value of 95%. Algorithms developed to predict the effect of sequence changes on RNA splicing suggest that this variant may disrupt the consensus splice site. This variant disrupts the p.Arg441 amino acid residue in TMEM67. Other variant(s) that disrupt this residue have been observed in individuals with TMEM67-related conditions (PMID: 20232449), which suggests that this may be a clinically significant amino acid residue. For these reasons, this variant has been classified as Pathogenic.

Fulgent Genetics
Classification: Pathogenic for COACH syndrome 1; RHYNS syndrome; Meckel syndrome, type 3; Joubert syndrome 6; Nephronophthisis 11; Bardet-Biedl syndrome 14. Last evaluated: 2024-04-10. Review status: criteria provided, single submitter. Criteria: ACMG Guidelines, 2015. Collection method: clinical testing. Allele origin: germline.

Blueprint Genetics
Classification: Pathogenic for TMEM67-related disorders. Last evaluated: 2022-09-06. Review status: criteria provided, single submitter. Criteria: ACMG Guidelines, 2015. Collection method: clinical testing. Allele origin: germline. Affected: yes. Observed: 5 variant alleles.

Medical Genetics Center, Maternal and Child Health Hospital of Hubei Province
Classification: Uncertain significance for Meckel syndrome, type 3. Last evaluated: 2021-11-18. Review status: criteria provided, single submitter. Criteria: ACMG Guidelines, 2015. Collection method: clinical testing. Allele origin: maternal. Affected: yes.

Fulgent Genetics
Classification: Pathogenic for COACH syndrome 1; Meckel syndrome, type 3; Joubert syndrome 6; Nephronophthisis 11; Bardet-Biedl syndrome 14. Last evaluated: 2018-10-31. Review status: criteria provided, single submitter. Criteria: ACMG Guidelines, 2015. Collection method: clinical testing. Allele origin: unknown.

Centre for Mendelian Genomics, University Medical Centre Ljubljana
Classification: Likely pathogenic for Absent speech; Barrel-shaped chest; Abnormal cerebellum morphology; Cerebellar vermis hypoplasia; Congenital ocular coloboma; Global developmental delay; Floppy infant; Severe intellectual disability; Kidney disorder; Nystagmus; Pancreatitis; Peritonitis; Tremor; Visual impairment. Last evaluated: 2017-01-01. Review status: criteria provided, single submitter. Criteria: ACMG Guidelines, 2015. Collection method: clinical testing. Allele origin: unknown. Affected: yes.

Ambry Genetics
Classification: Likely pathogenic for Inborn genetic diseases. Last evaluated: 2016-06-07. Review status: criteria provided, single submitter. Criteria: Ambry exome assertion method (8-5-2015). Collection method: clinical testing. Allele origin: germline. Affected: yes. Observed: 1 variant allele.

UW Hindbrain Malformation Research Program, University of Washington
Classification: Pathogenic for Joubert syndrome 6. Last evaluated: 2015-02-23. Review status: criteria provided, single submitter. Criteria: Bachmann-Gagescu et al. (J Med Genet. 2015). Collection method: research. Allele origin: unknown. Affected: yes.

Centre for Mendelian Genomics, University Medical Centre Ljubljana
Classification: Likely pathogenic for Agenesis of cerebellar vermis; Oligohydramnios; Renal cyst. Last evaluated: 2014-07-01. Review status: criteria provided, single submitter. Criteria: ACMG Guidelines, 2015. Collection method: clinical testing. Allele origin: unknown. Affected: yes.

Literature cited by the submitters: PubMed 19574260 (cited by Labcorp Genetics (formerly Invitae), Labcorp and Medical Genetics Center, Maternal and Child Health Hospital of Hubei Province); PubMed 23351400 (cited by Labcorp Genetics (formerly Invitae), Labcorp); PubMed 20232449 (cited by Labcorp Genetics (formerly Invitae), Labcorp); PubMed 30029678 (cited by Medical Genetics Center, Maternal and Child Health Hospital of Hubei Province); PubMed 26092869 (cited by Medical Genetics Center, Maternal and Child Health Hospital of Hubei Province).

NM_153704.6(TMEM67):c.1321C>T (p.Arg441Cys)

Gene: TMEM67 (transmembrane protein 67; plus strand). Cytogenetic location: 8q22.1.
Variant type: single nucleotide variant.
Coding change: c.1321C>T on transcript NM_153704.6 (MANE Select); coding-DNA position 1321, C replaced by T.
Protein change: p.Arg441Cys; replaces arginine 441 with cysteine.
Molecular consequence: missense variant. On other transcripts: non-coding transcript variant (1).
Genome position (GRCh38, 1-based): chr8:93,786,255, C>T. VCF-style: chr8-93786255-C-T. GRCh37 (hg19) VCF-style: chr8-94798483-C-T.
Other names: c.1078C>T, p.Arg360Cys (NM_001142301.1); short protein forms R360C, R441C.
Identifiers: ClinVar variation 217725 (VCV000217725.15), dbSNP rs752362727, ClinGen allele CA277817.